The following is an entry in ClinVar:

NM_016247.4(IMPG2):c.3692C>T (p.Ala1231Val)

Gene: IMPG2 (interphotoreceptor matrix proteoglycan 2; minus strand). Cytogenetic location: 3q12.3.
Variant type: single nucleotide variant.
Coding change: c.3692C>T on transcript NM_016247.4 (MANE Select); coding-DNA position 3692, C replaced by T.
Protein change: p.Ala1231Val; replaces alanine 1231 with valine.
Molecular consequence: missense variant.
Genome position (GRCh38, 1-based): chr3:101,228,818, G>A on the plus strand (C>T on the coding strand, the complement: IMPG2 is on the minus strand). VCF-style: chr3-101228818-G-A. GRCh37 (hg19) VCF-style: chr3-100947662-G-A.
Other names: short protein forms A1231V.
Identifiers: ClinVar variation 963782 (VCV000963782.9), dbSNP rs377428968, ClinGen allele CA79708484.

ClinVar aggregate classification (germline): Uncertain significance. Review status: criteria provided, multiple submitters, no conflicts (2 of 4 stars). 3 submissions from 3 submitters: Uncertain significance (3). Last evaluated 2025-05-16.

Conditions:
Inborn genetic diseases. Identifiers: MedGen C0950123, MeSH D030342.

Allele frequency attached by ClinVar (database versions not stated): gnomAD exomes 0.00001 and 0.00006; gnomAD 0.00003 and 0.00004; TOPMed 0.00005; ESP Exome Variant Server 0.00008.
gnomAD v4.1: 102 of 1,613,824 alleles (0.0063%); highest among the groups gnomAD compares: Non-Finnish European, 0.008%; no homozygotes.

Submissions (3):

Ambry Genetics
Classification: Uncertain significance for Inborn genetic diseases. Last evaluated: 2025-05-16. Review status: criteria provided, single submitter. Criteria: Ambry Variant Classification Scheme 2023. Collection method: clinical testing. Allele origin: germline.

Blueprint Genetics
Classification: Uncertain significance. Last evaluated: 2024-06-19. Review status: criteria provided, single submitter. Criteria: ACMG Guidelines, 2015. Collection method: clinical testing. Allele origin: germline.

Labcorp Genetics (formerly Invitae), Labcorp
Classification: Uncertain significance. Last evaluated: 2022-03-10. Review status: criteria provided, single submitter. Criteria: Invitae Variant Classification Sherloc (09022015). Collection method: clinical testing. Allele origin: germline.
Comment: This sequence change replaces alanine, which is neutral and non-polar, with valine, which is neutral and non-polar, at codon 1231 of the IMPG2 protein (p.Ala1231Val). This variant is present in population databases (rs377428968, gnomAD 0.002%). This variant has not been reported in the literature in individuals affected with IMPG2-related conditions. ClinVar contains an entry for this variant (Variation ID: 963782). Algorithms developed to predict the effect of missense changes on protein structure and function are either unavailable or do not agree on the potential impact of this missense change (SIFT: "Tolerated"; PolyPhen-2: "Possibly Damaging"; Align-GVGD: "Class C0"). Algorithms developed to predict the effect of sequence changes on RNA splicing suggest that this variant may disrupt the consensus splice site. In summary, the available evidence is currently insufficient to determine the role of this variant in disease. Therefore, it has been classified as a Variant of Uncertain Significance.